The following is an entry in ClinVar:

ClinVar aggregate classification (germline): Conflicting classifications of pathogenicity. Review status: criteria provided, conflicting classifications (1 of 4 stars). 13 submissions from 13 submitters: Uncertain significance (2); Benign (8); Likely benign (2). 1 of the submissions does not count toward it. Last evaluated 2026-02-03.

Conditions:
DSP-related disorder. Also called: DSP-related condition; DSP-related disorders.
Cardiovascular phenotype. Identifiers: MedGen CN230736.
Arrhythmogenic cardiomyopathy with wooly hair and keratoderma. Also called: Dilated cardiomyopathy with woolly hair and keratoderma; Carvajal syndrome; PALMOPLANTAR KERATODERMA WITH LEFT VENTRICULAR CARDIOMYOPATHY AND WOOLLY HAIR; Arrhythmogenic cardiomyopathy with woolly hair and keratoderma. Identifiers: Orphanet 65282, MedGen C1854063, MONDO:0011581, OMIM 605676.
Arrhythmogenic right ventricular dysplasia 8 (ARVD8). Also called: Arrhythmogenic Right Ventricular Dysplasia/Cardiomyopathy 8; ARRHYTHMOGENIC RIGHT VENTRICULAR DYSPLASIA, FAMILIAL, 8; ARRHYTHMOGENIC RIGHT VENTRICULAR CARDIOMYOPATHY 8. Identifiers: MedGen C1843896, MONDO:0011831, OMIM 607450.
Cardiomyopathy (CMYO). Also called: Cardiomyopathies. Identifiers: Orphanet 167848, MedGen C0878544, MONDO:0004994, HP:0001638. Inheritance: Various modes of inheritance.

Allele frequency attached by ClinVar (database versions not stated): TOPMed 0.00032; gnomAD 0.00036 and 0.00038; ESP Exome Variant Server 0.00038; ExAC 0.00040; gnomAD exomes 0.00054.
gnomAD v4.1: 482 of 1,614,036 alleles (0.03%); highest among the groups gnomAD compares: African/African-American, 0.0067%; 3 homozygotes.

Submissions (13):

Labcorp Genetics (formerly Invitae), Labcorp
Classification: Benign for Arrhythmogenic cardiomyopathy with wooly hair and keratoderma; Arrhythmogenic right ventricular dysplasia 8. Last evaluated: 2026-02-03. Review status: criteria provided, single submitter. Criteria: Invitae Variant Classification Sherloc (09022015). Collection method: clinical testing. Allele origin: germline.

Women's Health and Genetics/Laboratory Corporation of America, LabCorp
Classification: Likely benign. Last evaluated: 2026-02-02. Review status: criteria provided, single submitter. Criteria: LabCorp Variant Classification Summary - May 2015. Collection method: clinical testing. Allele origin: germline.
Comment: Variant summary: DSP c.688G>A (p.Asp230Asn) results in a conservative amino acid change in the encoded protein sequence. Algorithms developed to predict the effect of missense changes on protein structure and function are either unavailable or do not agree on the potential impact of this missense change. The variant allele was found at a frequency of 0.00054 in 251444 control chromosomes in the gnomAD database, including 2 homozygotes. The observed variant frequency exceeds the estimated maximal expected allele frequency for disease-causing variants in DSP. c.688G>A has been observed in an individual(s) affected with Arrhythmogenic Right Ventricular Dysplasia/Cardiomyopathy (e.g. Xu_2010). These report(s) do not provide unequivocal conclusions about association of the variant with Arrhythmogenic Right Ventricular Dysplasia/Cardiomyopathy. To our knowledge, no experimental evidence demonstrating an impact on protein function has been reported. The following publication has been ascertained in the context of this evaluation (PMID: 20152563). ClinVar contains an entry for this variant (Variation ID: 44945). Based on the evidence outlined above, the variant was classified as likely benign.

CeGaT Center for Human Genetics Tuebingen
Classification: Benign. Last evaluated: 2025-12-01. Review status: criteria provided, single submitter. Criteria: CeGaT Center For Human Genetics Tuebingen Variant Classification Criteria Version 2. Collection method: clinical testing. Allele origin: germline. Affected: yes. Observed: 25 variant alleles.
Comment: DSP: BS1, BS2

Blueprint Genetics
Classification: Benign. Last evaluated: 2024-10-07. Review status: criteria provided, single submitter. Criteria: ACMG Guidelines, 2015. Collection method: clinical testing. Allele origin: germline.

All of Us Research Program, National Institutes of Health
Classification: Benign for Arrhythmogenic cardiomyopathy with wooly hair and keratoderma. Last evaluated: 2024-09-23. Review status: criteria provided, single submitter. Criteria: ACMG Guidelines, 2015. Collection method: clinical testing. Allele origin: germline. Inheritance: Autosomal dominant inheritance. Observed: 194 variant alleles, 193 heterozygotes, 1 homozygote.
Comment: This study involves interpretation of variants in research participants for the purpose of population health screening. Participant phenotype was not available at the time of variant classification. Additional details can be found in publication PMID: 35346344, PMCID: PMC8962531

CHEO Genetics Diagnostic Laboratory, Children's Hospital of Eastern Ontario
Classification: Benign for Cardiomyopathy. Last evaluated: 2019-11-13. Review status: criteria provided, single submitter. Criteria: ACMG Guidelines, 2015. Collection method: clinical testing. Allele origin: germline.

GeneDx
Classification: Benign. Last evaluated: 2019-07-22. Review status: criteria provided, single submitter. Criteria: GeneDx Variant Classification Process June 2021. Collection method: clinical testing. Allele origin: germline. Affected: yes.
Comment: This variant is associated with the following publications: (PMID: 23299917, 23861362, 25351510, 20152563, 27153395, 29802319, 31402444)

Color Diagnostics, LLC DBA Color Health
Classification: Benign for Cardiomyopathy. Last evaluated: 2018-05-12. Review status: criteria provided, single submitter. Criteria: ACMG Guidelines, 2015. Collection method: clinical testing. Allele origin: germline.

Ambry Genetics
Classification: Benign for Cardiovascular phenotype. Last evaluated: 2017-12-05. Review status: criteria provided, single submitter. Criteria: Ambry Variant Classification Scheme 2023. Collection method: clinical testing. Allele origin: germline.

Illumina Laboratory Services, Illumina
Classification: Uncertain significance for Arrhythmogenic right ventricular dysplasia 8. Last evaluated: 2017-04-27. Review status: criteria provided, single submitter. Criteria: ICSL Variant Classification Criteria 13 December 2019. Collection method: clinical testing. Allele origin: germline.
Comment: This variant was observed as part of a predisposition screen in an ostensibly healthy population. A literature search was performed for the gene, cDNA change, and amino acid change (where applicable). Publications were found based on this search. However, the evidence from the literature, in combination with allele frequency data from public databases where available, was not sufficient to rule this variant in or out of causing disease. Therefore, this variant is classified as a variant of unknown significance.

Laboratory for Molecular Medicine, Mass General Brigham Personalized Medicine
Classification: Uncertain significance. Last evaluated: 2016-01-20. Review status: criteria provided, single submitter. Criteria: LMM Criteria. Collection method: clinical testing. Allele origin: germline. Observed: 3 variant alleles.
Comment: Variant classified as Uncertain Significance - Favor Benign. The p.Asp230Asn var iant in DSP has been reported in one adult with ARVC (Xu 2010) and two adults wi th HCM (LMM unpublished data). This variant has been identified in 48/66740 Eur opean chromosomes, including 1 homozygote, by the Exome Aggregation Consortium ( ExAC, dbSNP rs147315869). Computational predictio n tools and conservation analysis do not provide strong support for or against a n impact to the protein. In summary, while the clinical significance of the p.As p230Asn variant is uncertain, its frequency suggests that it is more likely to be benign.

Biesecker Lab/Clinical Genomics Section, National Institutes of Health
Classification: Likely benign. Last evaluated: 2013-06-24. Review status: criteria provided, single submitter. Criteria: Ng et al. (Circ Cardiovasc Genet. 2013). Collection method: research. Allele origin: unknown. Observed: 5 variant alleles. Study: ClinSeq.
Comment: The study set was not selected for affection status in relation to any cancer. Pathogenicity categories were based on literature curation. See Pubmed ID:23861362 for details.

Medical sequencing

PreventionGenetics, part of Exact Sciences
Classification: Likely benign for DSP-related condition. Last evaluated: 2024-03-06. Review status: no assertion criteria provided. Collection method: clinical testing. Allele origin: germline. Not counted in ClinVar's aggregate classification.
Comment: This variant is classified as likely benign based on ACMG/AMP sequence variant interpretation guidelines (Richards et al. 2015 PMID: 25741868, with internal and published modifications).

Literature cited by the submitters: PubMed 20152563 (cited by 3 submitters).

NM_004415.4(DSP):c.688G>A (p.Asp230Asn)

Gene: DSP (desmoplakin; plus strand). Cytogenetic location: 6p24.3.
Variant type: single nucleotide variant.
Coding change: c.688G>A on transcript NM_004415.4 (MANE Select); coding-DNA position 688, G replaced by A.
Protein change: p.Asp230Asn; replaces aspartic acid 230 with asparagine.
Molecular consequence: missense variant.
Genome position (GRCh38, 1-based): chr6:7,562,742, G>A. VCF-style: chr6-7562742-G-A. GRCh37 (hg19) VCF-style: chr6-7562975-G-A.
Other names: p.D230N:GAC>AAC; c.688G>A, p.Asp230Asn (NM_001008844.3, NM_001319034.2); c.688G>A (NM_004415.3); short protein forms D230N.
Identifiers: ClinVar variation 44945 (VCV000044945.59), dbSNP rs147315869, ClinGen allele CA007074.
Genomic context (GRCh38, chr6:7,562,742, plus strand): 5'-GACCTGGCCTCAGTGGAGCAGCACATTAACAGCCACCGGGGCATCCACAACTCCATCGGC[G>A]ACTATCGCTGGCAGCTGGACAAAATCAAAGCCGACCTGGTACTTGTCTGTGTTTCATTTT-3'
Protein context (NP_004406.2, residues 220-240): SHRGIHNSIG[Asp230Asn]YRWQLDKIKA